The following is an entry in ClinVar:

NM_007194.4(CHEK2):c.319+4A>G

Gene: CHEK2 (checkpoint kinase 2; minus strand). Cytogenetic location: 22q12.1.
Variant type: single nucleotide variant.
Coding change: c.319+4A>G on transcript NM_007194.4 (MANE Select); 4 bases into the intron after coding-DNA position 319, A replaced by G.
Molecular consequence: intron variant.
Genome position (GRCh38, 1-based): chr22:28,734,399, T>C on the plus strand (A>G on the coding strand, the complement: CHEK2 is on the minus strand). VCF-style: chr22-28734399-T-C. GRCh37 (hg19) VCF-style: chr22-29130387-T-C.
Other names: c.-345+7370A>G (NM_001437942.1); c.319+4A>G (NM_001349956.3, NM_145862.3, NM_001438295.1 and 3 more transcripts); c.-459+4A>G (NM_001257387.3).
Identifiers: ClinVar variation 1728659 (VCV001728659.7), dbSNP rs2518125945, ClinGen allele CA2580099375.

ClinVar aggregate classification (germline): Uncertain significance. Review status: criteria provided, multiple submitters, no conflicts (2 of 4 stars). 2 submissions from 2 submitters: Uncertain significance (2). Last evaluated 2022-04-25.

Conditions:
Hereditary cancer-predisposing syndrome. Also called: Tumor predisposition; Neoplastic Syndromes, Hereditary; Hereditary Cancer Syndrome; Hereditary neoplastic syndrome. Identifiers: Orphanet 140162, MedGen C0027672, MeSH D009386, MONDO:0015356.
Familial cancer of breast. Also called: Hereditary breast cancer; BREAST CANCER, FAMILIAL; hereditary breast carcinoma. Identifiers: Orphanet 227535, MedGen C0346153, MONDO:0016419, OMIM 114480. Disease mechanism: loss of function.

Allele frequency attached by ClinVar (database versions not stated): gnomAD exomes below 0.00001.
gnomAD v4.1: 2 of 1,613,666 alleles (0.00012%); highest among the groups gnomAD compares: Non-Finnish European, 0.00017%; no homozygotes.

Submissions (2):

Labcorp Genetics (formerly Invitae), Labcorp
Classification: Uncertain significance for Familial cancer of breast. Last evaluated: 2022-04-25. Review status: criteria provided, single submitter. Criteria: Invitae Variant Classification Sherloc (09022015). Collection method: clinical testing. Allele origin: germline.
Comment: In summary, the available evidence is currently insufficient to determine the role of this variant in disease. Therefore, it has been classified as a Variant of Uncertain Significance. Variants that disrupt the consensus splice site are a relatively common cause of aberrant splicing (PMID: 17576681, 9536098). Algorithms developed to predict the effect of sequence changes on RNA splicing suggest that this variant may disrupt the consensus splice site. This variant has not been reported in the literature in individuals affected with CHEK2-related conditions. This variant is not present in population databases (gnomAD no frequency). This sequence change falls in intron 2 of the CHEK2 gene. It does not directly change the encoded amino acid sequence of the CHEK2 protein. It affects a nucleotide within the consensus splice site.

Ambry Genetics
Classification: Uncertain significance for Hereditary cancer-predisposing syndrome. Last evaluated: 2021-06-30. Review status: criteria provided, single submitter. Criteria: Ambry Variant Classification Scheme 2023. Collection method: clinical testing. Allele origin: germline.
Comment: The c.319+4A>G intronic variant results from an A to G substitution 4 nucleotides after coding exon 1 in the CHEK2 gene. This nucleotide position is highly conserved in available vertebrate species. In silico splice site analysis predicts that this alteration will not have any significant effect on splicing. Since supporting evidence is limited at this time, the clinical significance of this alteration remains unclear.

Literature cited by the submitters: PubMed 17576681 (cited by Labcorp Genetics (formerly Invitae), Labcorp); PubMed 9536098 (cited by Labcorp Genetics (formerly Invitae), Labcorp).